The following is an entry in ClinVar:

ClinVar aggregate classification (germline): Pathogenic. Review status: criteria provided, multiple submitters, no conflicts (2 of 4 stars). 4 submissions from 4 submitters: Pathogenic (4). Last evaluated 2025-09-01.

Conditions:
Osteogenesis imperfecta type 8 (OI8). Identifiers: MedGen C1970458, MONDO:0012581, OMIM 610915.

Submissions (4):

Labcorp Genetics (formerly Invitae), Labcorp
Classification: Pathogenic for Osteogenesis imperfecta type 8. Last evaluated: 2025-09-01. Review status: criteria provided, single submitter. Criteria: Invitae Variant Classification Sherloc (09022015). Collection method: clinical testing. Allele origin: germline.
Comment: This sequence change creates a premature translational stop signal (p.Gln78Serfs*30) in the P3H1 gene. It is expected to result in an absent or disrupted protein product. Loss-of-function variants in P3H1 are known to be pathogenic (PMID: 17277775, 18566967, 19088120, 22281939). The frequency data for this variant in the population databases is considered unreliable, as metrics indicate poor data quality at this position in the gnomAD database. This premature translational stop signal has been observed in individual(s) with osteogenesis imperfecta (PMID: 18566967). ClinVar contains an entry for this variant (Variation ID: 817615). For these reasons, this variant has been classified as Pathogenic.

Genome-Nilou Lab
Classification: Pathogenic for Osteogenesis imperfecta type 8. Last evaluated: 2023-04-11. Review status: criteria provided, single submitter. Criteria: ACMG Guidelines, 2015. Collection method: clinical testing. Allele origin: germline. Affected: no.

Fulgent Genetics
Classification: Pathogenic for Osteogenesis imperfecta type 8. Last evaluated: 2022-05-09. Review status: criteria provided, single submitter. Criteria: ACMG Guidelines, 2015. Collection method: clinical testing. Allele origin: unknown.

GeneDx
Classification: Pathogenic. Last evaluated: 2018-07-17. Review status: criteria provided, single submitter. Criteria: GeneDx Variant Classification (06012015). Collection method: clinical testing. Allele origin: germline. Affected: yes.
Comment: The c.232delC variant has been reported previously in association with osteogenesis imperfecta (Baldridge et al., 2008; Pepin et al., 2013). The deletion causes a frameshift starting with codon Glutamine 78, changes this amino acid to a Serine residue and creates a premature Stop codon at position 30 of the new reading frame, denoted p.Gln78SerfsX30. This variant is predicted to cause loss of normal protein function either through protein truncation or nonsense-mediated mRNA decay. The variant is not observed in large population cohorts (Lek et al., 2016). We consider this variant to be pathogenic.

Literature cited by the submitters: PubMed 17277775 (cited by Labcorp Genetics (formerly Invitae), Labcorp); PubMed 18566967 (cited by Labcorp Genetics (formerly Invitae), Labcorp); PubMed 19088120 (cited by Labcorp Genetics (formerly Invitae), Labcorp); PubMed 22281939 (cited by Labcorp Genetics (formerly Invitae), Labcorp).

NM_022356.4(P3H1):c.232del (p.Gln78fs)

Genes: P3H1 (prolyl 3-hydroxylase 1; minus strand), LOC129930352 (ATAC-STARR-seq lymphoblastoid silent region 767; plus strand). Cytogenetic location: 1p34.2.
Variant type: Deletion.
Coding change: c.232del on transcript NM_022356.4 (MANE Select); coding-DNA position 232, one base deleted (C; older notation c.232delC).
Protein change: p.Gln78fs; shifts the reading frame from glutamine 78.
Molecular consequence: frameshift variant.
Genome position (GRCh38, 1-based): chr1:42,766,740, G deleted on the plus strand (C on the coding strand, the reverse complement: P3H1 is on the minus strand); the first of 3 consecutive G bases (chr1:42,766,740-42,766,742); deleting any one gives the same sequence. VCF-style (leftmost placement, unchanged base first): chr1-42766739-TG-T. GRCh37 (hg19) VCF-style: chr1-43232410-TG-T.
Other names: c.232del, p.Gln78fs (NM_001146289.2, NM_001243246.2); short protein forms Q78fs.
Identifiers: ClinVar variation 817615 (VCV000817615.10), dbSNP rs137853948, ClinGen allele CA802209.